The following is an entry in ClinVar:

NM_001458.5(FLNC):c.4598T>A (p.Val1533Asp)

Gene: FLNC (filamin C; plus strand). Cytogenetic location: 7q32.1.
Variant type: single nucleotide variant.
Coding change: c.4598T>A on transcript NM_001458.5 (MANE Select); coding-DNA position 4598, T replaced by A.
Protein change: p.Val1533Asp; replaces valine 1533 with aspartic acid.
Molecular consequence: missense variant.
Genome position (GRCh38, 1-based): chr7:128,848,578, T>A. VCF-style: chr7-128848578-T-A. GRCh37 (hg19) VCF-style: chr7-128488632-T-A.
Other names: c.4598T>A, p.Val1533Asp (NM_001127487.2); short protein forms V1533D.
Identifiers: ClinVar variation 2949669 (VCV002949669.3), dbSNP rs2536647885, ClinGen allele CA369202108.

ClinVar aggregate classification (germline): Uncertain significance (1 of 4 stars; one submission).

Conditions:
Hypertrophic cardiomyopathy 26. Also called: Cardiomyopathy, familial hypertrophic, 26. Identifiers: Orphanet 75249, MedGen C4310749, MONDO:0014883, OMIM 617047.
Myofibrillar myopathy 5. Also called: Filaminopathy (type); FILAMINOPATHY, AUTOSOMAL DOMINANT. Identifiers: Orphanet 171445, MedGen C1836050, MONDO:0012289, OMIM 609524.
Distal myopathy with posterior leg and anterior hand involvement. Also called: WILLIAMS DISTAL MYOPATHY. Identifiers: Orphanet 63273, MedGen C3279722, MONDO:0013550, OMIM 614065.

Submission:

Labcorp Genetics (formerly Invitae), Labcorp
Classification: Uncertain significance for Distal myopathy with posterior leg and anterior hand involvement; Myofibrillar myopathy 5; Hypertrophic cardiomyopathy 26. Last evaluated: 2023-07-17. Review status: criteria provided, single submitter. Criteria: Invitae Variant Classification Sherloc (09022015). Collection method: clinical testing. Allele origin: germline.
Comment: This variant is not present in population databases (gnomAD no frequency). In summary, the available evidence is currently insufficient to determine the role of this variant in disease. Therefore, it has been classified as a Variant of Uncertain Significance. Advanced modeling of protein sequence and biophysical properties (such as structural, functional, and spatial information, amino acid conservation, physicochemical variation, residue mobility, and thermodynamic stability) has been performed at Invitae for this missense variant, however the output from this modeling did not meet the statistical confidence thresholds required to predict the impact of this variant on FLNC protein function. This variant has not been reported in the literature in individuals affected with FLNC-related conditions. This sequence change replaces valine, which is neutral and non-polar, with aspartic acid, which is acidic and polar, at codon 1533 of the FLNC protein (p.Val1533Asp).